The following is an entry in ClinVar:

ClinVar aggregate classification (germline): Uncertain significance (1 of 4 stars; one submission).

Conditions:
Hereditary cancer-predisposing syndrome. Also called: Hereditary Cancer Syndrome; Hereditary neoplastic syndrome; Tumor predisposition; Neoplastic Syndromes, Hereditary. Identifiers: Orphanet 140162, MedGen C0027672, MeSH D009386, MONDO:0015356.
Cardiovascular phenotype. Identifiers: MedGen CN230736.

Submission:

Ambry Genetics
Classification: Uncertain significance for Cardiovascular phenotype; Hereditary cancer-predisposing syndrome. Last evaluated: 2024-10-15. Review status: criteria provided, single submitter. Criteria: Ambry Variant Classification Scheme 2023. Collection method: clinical testing. Allele origin: germline.
Comment: The p.T288S variant (also known as c.862A>T), located in coding exon 9 of the LZTR1 gene, results from an A to T substitution at nucleotide position 862. The threonine at codon 288 is replaced by serine, an amino acid with similar properties. This amino acid position is conserved. In addition, the in silico prediction for this alteration is inconclusive. Based on the available evidence, the clinical significance of this variant remains unclear.

NM_006767.4(LZTR1):c.862A>T (p.Thr288Ser)

Gene: LZTR1 (leucine zipper like post translational regulator 1; plus strand). Cytogenetic location: 22q11.21.
Variant type: single nucleotide variant.
Coding change: c.862A>T on transcript NM_006767.4 (MANE Select); coding-DNA position 862, A replaced by T.
Protein change: p.Thr288Ser; replaces threonine 288 with serine.
Molecular consequence: missense variant.
Genome position (GRCh38, 1-based): chr22:20,991,698, A>T. VCF-style: chr22-20991698-A-T. GRCh37 (hg19) VCF-style: chr22-21345987-A-T.
Other names: short protein forms T288S.
Identifiers: ClinVar variation 3541658 (VCV003541658.1).